The following is an entry in ClinVar:

ClinVar aggregate classification (germline): Likely pathogenic (1 of 4 stars; one submission).

Conditions:
Ciliary dyskinesia, primary, 43. Also called: CILIARY DYSKINESIA, PRIMARY, 43, WITH OR WITHOUT SITUS INVERSUS. Identifiers: MedGen C5231466, MONDO:0032874, OMIM 618699.

Submission:

Variantyx, Inc.
Classification: Likely pathogenic for Ciliary dyskinesia, primary, 43. Last evaluated: 2025-09-19. Review status: criteria provided, single submitter. Criteria: Variantyx Assertion Criteria 2022. Collection method: clinical testing. Allele origin: de novo. Inheritance: Autosomal dominant inheritance. Affected: yes.
Comment: This is a frameshift variant in the FOXJ1 gene (OMIM: 602291). Pathogenic variants in this gene have been associated with autosomal dominant primary ciliary dyskinesia 43. This variant is absent from control populations (PM2) and it has not been reported in individuals with FOXJ1-related disorders in the databases available for review. The clinical symptoms reported for this proband are highly specific for autosomal dominant primary ciliary dyskinesia 43, which has a limited genetic etiology (PMID: 37692537) (PP4).Based on the current evidence, this variant is classified as likely pathogenic for autosomal dominant primary ciliary dyskinesia 43.

Literature cited by the submitters: PubMed 37692537.

NM_001454.4(FOXJ1):c.793_814dup (p.His272fs)

Gene: FOXJ1 (forkhead box J1; minus strand). Cytogenetic location: 17q25.1.
Variant type: Duplication.
Coding change: c.793_814dup on transcript NM_001454.4 (MANE Select); coding-DNA positions 793 to 814, 22 bases duplicated (GCAGGCGAGGGCAGGCTGGGGC).
Protein change: p.His272fs; shifts the reading frame from histidine 272.
Molecular consequence: frameshift variant.
Genome position (GRCh38, 1-based): chr17:76,137,805-76,137,826, GCCCCAGCCTGCCCTCGCCTGC duplicated on the plus strand (GCAGGCGAGGGCAGGCTGGGGC on the coding strand, the reverse complement: FOXJ1 is on the minus strand). VCF-style (leftmost placement, unchanged base first): chr17-76137804-T-TGCCCCAGCCTGCCCTCGCCTGC. GRCh37 (hg19) VCF-style: chr17-74133885-T-TGCCCCAGCCTGCCCTCGCCTGC.
Other names: short protein forms H272fs.
Identifiers: ClinVar variation 4850743 (VCV004850743.1).